The following is an entry in ClinVar:

ClinVar aggregate classification (germline): Uncertain significance (1 of 4 stars; one submission).

Conditions:
Usher syndrome type 1D (USH1D). Also called: USHER SYNDROME, TYPE ID. Identifiers: Orphanet 231169, Orphanet 886, MedGen C1832845, MONDO:0010984, OMIM 601067.

Submission:

Dasa
Classification: Uncertain significance for Usher syndrome type 1D. Last evaluated: 2025-10-28. Review status: criteria provided, single submitter. Criteria: DASA Assertion Criteria. Collection method: clinical testing. Allele origin: germline.
Comment: NM_022124.6(CDH23):c.6049+195C>T is an intronic variant. This variant is absent from population databases. The currently available literature and clinical evidence are not sufficient to establish a definitive association between this variant and the reported condition. Therefore, this variant is classified as a variant of uncertain significance.

NM_022124.6(CDH23):c.6049+195C>T

Gene: CDH23 (cadherin related 23; plus strand). Cytogenetic location: 10q22.1.
Variant type: single nucleotide variant.
Coding change: c.6049+195C>T on transcript NM_022124.6 (MANE Select); 195 bases into the intron after coding-DNA position 6049, C replaced by T.
Molecular consequence: intron variant.
Genome position (GRCh38, 1-based): chr10:71,790,608, C>T. VCF-style: chr10-71790608-C-T. GRCh37 (hg19) VCF-style: chr10-73550365-C-T.
Identifiers: ClinVar variation 4882497 (VCV004882497.2).